The following is an entry in ClinVar:

NM_012330.4(KAT6B):c.4118A>G (p.Glu1373Gly)

Gene: KAT6B (lysine acetyltransferase 6B; plus strand). Cytogenetic location: 10q22.2.
Variant type: single nucleotide variant.
Coding change: c.4118A>G on transcript NM_012330.4 (MANE Select); coding-DNA position 4118, A replaced by G.
Protein change: p.Glu1373Gly; replaces glutamic acid 1373 with glycine.
Molecular consequence: missense variant.
Genome position (GRCh38, 1-based): chr10:75,028,942, A>G. VCF-style: chr10-75028942-A-G. GRCh37 (hg19) VCF-style: chr10-76788700-A-G.
Other names: c.3569A>G, p.Glu1190Gly (NM_001256468.2, NM_001370138.1); c.3242A>G, p.Glu1081Gly (NM_001256469.2, NM_001370139.1, NM_001370140.1 and 2 more transcripts); c.3080A>G, p.Glu1027Gly (NM_001370132.1); c.2429A>G, p.Glu810Gly (NM_001370133.1); c.2033A>G, p.Glu678Gly (NM_001370134.1); c.1775A>G, p.Glu592Gly (NM_001370135.1); c.4118A>G, p.Glu1373Gly (NM_001370136.1, NM_001370137.1); c.3053A>G, p.Glu1018Gly (NM_001370143.1, NM_001370144.1); short protein forms E592G, E1018G, E1373G, E678G, E1081G, E810G, E1027G, E1190G.
Identifiers: ClinVar variation 1524074 (VCV001524074.10), dbSNP rs373140884, ClinGen allele CA5564974.

ClinVar aggregate classification (germline): Conflicting classifications of pathogenicity. Review status: criteria provided, conflicting classifications (1 of 4 stars). 3 submissions from 3 submitters: Uncertain significance (2); Likely benign (1). Last evaluated 2025-09-10.

Conditions:
Genitopatellar syndrome (GTPTS). Also called: ABSENT PATELLAE, SCROTAL HYPOPLASIA, RENAL ANOMALIES, FACIAL DYSMORPHISM, AND MENTAL RETARDATION; Genitopatellar syndrome (GPS). Identifiers: Orphanet 85201, MedGen C1853566, MONDO:0011640, OMIM 606170.
Blepharophimosis - intellectual disability syndrome, SBBYS type (SBBYSS). Also called: Ohdo syndrome, SBBYS variant; SBBYSS syndrome; Say-Barber-Biesecker Variant of Ohdo Syndrome; Say-Barber-Biesecker-Young-Simpson variant of Ohdo Syndrome; Young Simpson syndrome; Mental retardation unusual facies hypothyroidism. Identifiers: Orphanet 3047, MedGen C1863557, MONDO:0011365, OMIM 603736.

Allele frequency attached by ClinVar (database versions not stated): gnomAD exomes 0.00002 and 0.00005; ExAC 0.00003; gnomAD 0.00005 and 0.00006; TOPMed 0.00005; ESP Exome Variant Server 0.00008.
gnomAD v4.1: 73 of 1,612,410 alleles (0.0045%); highest among the groups gnomAD compares: African/African-American, 0.013%; no homozygotes.

Submissions (3):

Labcorp Genetics (formerly Invitae), Labcorp
Classification: Uncertain significance for Genitopatellar syndrome. Last evaluated: 2025-09-10. Review status: criteria provided, single submitter. Criteria: Invitae Variant Classification Sherloc (09022015). Collection method: clinical testing. Allele origin: germline.
Comment: This sequence change replaces glutamic acid, which is acidic and polar, with glycine, which is neutral and non-polar, at codon 1373 of the KAT6B protein (p.Glu1373Gly). The frequency data for this variant in the population databases is considered unreliable, as metrics indicate poor data quality at this position in the gnomAD database. This variant has not been reported in the literature in individuals affected with KAT6B-related conditions. ClinVar contains an entry for this variant (Variation ID: 1524074). Invitae Evidence Modeling of protein sequence and biophysical properties (such as structural, functional, and spatial information, amino acid conservation, physicochemical variation, residue mobility, and thermodynamic stability) indicates that this missense variant is not expected to disrupt KAT6B protein function with a negative predictive value of 80%. In summary, the available evidence is currently insufficient to determine the role of this variant in disease. Therefore, it has been classified as a Variant of Uncertain Significance.

Fulgent Genetics
Classification: Uncertain significance for Blepharophimosis - intellectual disability syndrome, SBBYS type; Genitopatellar syndrome. Last evaluated: 2024-05-03. Review status: criteria provided, single submitter. Criteria: ACMG Guidelines, 2015. Collection method: clinical testing. Allele origin: germline.

Blueprint Genetics
Classification: Likely benign. Last evaluated: 2020-12-01. Review status: criteria provided, single submitter. Criteria: ACMG Guidelines, 2015. Collection method: clinical testing. Allele origin: germline.